The following is an entry in ClinVar:

ClinVar aggregate classification (germline): Uncertain significance. Review status: criteria provided, multiple submitters, no conflicts (2 of 4 stars). 5 submissions from 5 submitters: Uncertain significance (5). Last evaluated 2026-09-01.

Conditions:
Inborn genetic diseases. Identifiers: MedGen C0950123, MeSH D030342.
Neuronal ceroid lipofuscinosis. Also called: Neuronal Ceroid Lipofuscinoses. Identifiers: Orphanet 216, Orphanet 79263, MedGen C0027877, MONDO:0016295. Disease mechanism: loss of function.
Ceroid lipofuscinosis, neuronal, 4 (Kufs type) (CLN4). Also called: Ceroid lipofuscinosis, neuronal, 4, Parry type; Neuronal ceroid lipofuscinosis 4B. Identifiers: Orphanet 228343, Orphanet 79262, MedGen C1834207, MONDO:0008083, OMIM 162350.
DNAJC5-related disorder. Also called: DNAJC5-related condition.

Allele frequency attached by ClinVar (database versions not stated): gnomAD exomes 0.00001; ExAC 0.00003; TOPMed 0.00005; gnomAD 0.00007; ESP Exome Variant Server 0.00008.
gnomAD v4.1: 28 of 1,582,934 alleles (0.0018%); highest among the groups gnomAD compares: Middle Eastern, 0.017%; no homozygotes.

Submissions (5):

CeGaT Center for Human Genetics Tuebingen
Classification: Uncertain significance. Last evaluated: 2026-09-01. Review status: criteria provided, single submitter. Criteria: CeGaT Center For Human Genetics Tuebingen Variant Classification Criteria Version 2. Collection method: clinical testing. Allele origin: germline. Affected: yes. Observed: 1 variant allele.

PreventionGenetics, part of Exact Sciences
Classification: Uncertain significance for DNAJC5-related condition. Last evaluated: 2025-06-23. Review status: criteria provided, single submitter. Criteria: ACMG Guidelines, 2015. Collection method: clinical testing. Allele origin: germline.
Comment: The DNAJC5 c.565C>T variant is predicted to result in the amino acid substitution p.His189Tyr. To our knowledge, this variant has not been reported in the literature. This variant is reported in 0.0048% of alleles in individuals of African descent in gnomAD. At this time, the clinical significance of this variant is uncertain due to the absence of conclusive functional and genetic evidence.

Labcorp Genetics (formerly Invitae), Labcorp
Classification: Uncertain significance for Neuronal ceroid lipofuscinosis. Last evaluated: 2024-08-21. Review status: criteria provided, single submitter. Criteria: Invitae Variant Classification Sherloc (09022015). Collection method: clinical testing. Allele origin: germline.
Comment: This sequence change replaces histidine, which is basic and polar, with tyrosine, which is neutral and polar, at codon 189 of the DNAJC5 protein (p.His189Tyr). This variant is present in population databases (rs377119075, gnomAD 0.005%). This variant has not been reported in the literature in individuals affected with DNAJC5-related conditions. ClinVar contains an entry for this variant (Variation ID: 1401106). An algorithm developed to predict the effect of missense changes on protein structure and function (PolyPhen-2) suggests that this variant is likely to be tolerated. In summary, the available evidence is currently insufficient to determine the role of this variant in disease. Therefore, it has been classified as a Variant of Uncertain Significance.

Revvity Omics, Revvity
Classification: Uncertain significance for Ceroid lipofuscinosis, neuronal, 4 (Kufs type). Last evaluated: 2021-09-27. Review status: criteria provided, single submitter. Criteria: ACMG Guidelines, 2015. Collection method: clinical testing. Allele origin: germline.

Ambry Genetics
Classification: Uncertain significance for Inborn genetic diseases. Last evaluated: 2017-11-02. Review status: criteria provided, single submitter. Criteria: Ambry Variant Classification Scheme 2023. Collection method: clinical testing. Allele origin: germline.
Comment: The p.H189Y variant (also known as c.565C>T), located in coding exon 4 of the DNAJC5 gene, results from a C to T substitution at nucleotide position 565. The histidine at codon 189 is replaced by tyrosine, an amino acid with similar properties. This amino acid position is highly conserved in available vertebrate species. In addition, this alteration is predicted to be tolerated by in silico analysis. Since supporting evidence is limited at this time, the clinical significance of this alteration remains unclear.

NM_025219.3(DNAJC5):c.565C>T (p.His189Tyr)

Gene: DNAJC5 (DnaJ heat shock protein family (Hsp40) member C5; plus strand). Cytogenetic location: 20q13.33.
Variant type: single nucleotide variant.
Coding change: c.565C>T on transcript NM_025219.3 (MANE Select); coding-DNA position 565, C replaced by T.
Protein change: p.His189Tyr; replaces histidine 189 with tyrosine.
Molecular consequence: missense variant.
Genome position (GRCh38, 1-based): chr20:63,931,536, C>T. VCF-style: chr20-63931536-C-T. GRCh37 (hg19) VCF-style: chr20-62562889-C-T.
Other names: short protein forms H189Y.
Identifiers: ClinVar variation 1401106 (VCV001401106.12), dbSNP rs377119075, ClinGen allele CA9969811.